The following is an entry in ClinVar:

ClinVar aggregate classification (germline): Uncertain significance (1 of 4 stars; one submission).

gnomAD v4.1: 2 of 1,551,222 alleles (0.00013%); highest among the groups gnomAD compares: South Asian, 0.0012%; no homozygotes.

Submission:

GeneDx
Classification: Uncertain significance. Last evaluated: 2024-08-01. Review status: criteria provided, single submitter. Criteria: GeneDx Variant Classification Process June 2021. Collection method: clinical testing. Allele origin: germline. Affected: yes.
Comment: Not observed at significant frequency in large population cohorts (gnomAD); In silico analysis indicates that this missense variant does not alter protein structure/function; Has not been previously published as pathogenic or benign to our knowledge

NM_001145026.2(PTPRQ):c.3295G>A (p.Val1099Met)

Gene: PTPRQ (protein tyrosine phosphatase receptor type Q; plus strand). Cytogenetic location: 12q21.31.
Variant type: single nucleotide variant.
Coding change: c.3295G>A on transcript NM_001145026.2 (MANE Select); coding-DNA position 3295, G replaced by A.
Protein change: p.Val1099Met; replaces valine 1099 with methionine.
Molecular consequence: missense variant.
Genome position (GRCh38, 1-based): chr12:80,541,695, G>A. VCF-style: chr12-80541695-G-A. GRCh37 (hg19) VCF-style: chr12-80935474-G-A.
Other names: short protein forms V1099M.
Identifiers: ClinVar variation 3602297 (VCV003602297.1).